The following is an entry in ClinVar:

NM_001393769.1(MED12L):c.3514C>T (p.Arg1172Ter)

Genes: MED12L (mediator complex subunit 12L; plus strand), P2RY12 (purinergic receptor P2Y12; minus strand). Cytogenetic location: 3q25.1.
Variant type: single nucleotide variant.
Coding change: c.3514C>T on transcript NM_001393769.1 (MANE Select); coding-DNA position 3514, C replaced by T.
Protein change: p.Arg1172Ter; replaces arginine 1172 with a stop codon.
Molecular consequence: nonsense. On other transcripts: intron variant (1).
Genome position (GRCh38, 1-based): chr3:151,368,215, C>T. VCF-style: chr3-151368215-C-T. GRCh37 (hg19) VCF-style: chr3-151086003-C-T.
Other names: c.3409C>T, p.Arg1137Ter (NM_053002.6); c.-180+16477G>A (NM_022788.5); short protein forms R1137*, R1172*.
Identifiers: ClinVar variation 4854107 (VCV004854107.1).
Genomic context (GRCh38, chr3:151,368,215, plus strand): 5'-GGGGATGCGGACGCCGAGCCTGGGGCGAGAATGACATGCCGACTCTTGCTTCATCTCTTC[C>T]GAGCTCCCCAGGCCTGCTTCTTACCTCAAGCAACGGGTGAGCTGACTGCAGAAAAATCTG-3'

ClinVar aggregate classification (germline): Likely pathogenic (1 of 4 stars; one submission).

Conditions:
Nizon-Isidor syndrome. Identifiers: MedGen C5394350, MONDO:0030030, OMIM 618872.

gnomAD v4.1: 2 of 1,614,086 alleles (0.00012%); highest among the groups gnomAD compares: Admixed American, 0.0017%; no homozygotes.

Submission:

3billion
Classification: Likely pathogenic for Nizon-Isidor syndrome. Last evaluated: 2025-05-28. Review status: criteria provided, single submitter. Criteria: ACMG Guidelines, 2015. Collection method: clinical testing. Allele origin: germline. Affected: yes.
Comment: The variant is observed at an extremely low frequency in the gnomAD v4.1.0 dataset (total allele frequency: <0.001%). Predicted Consequence/Location: Stop-gained (nonsense): predicted to result in a loss or disruption of normal protein function through nonsense-mediated decay (NMD) or protein truncation. Multiple pathogenic variants are reported downstream of the variant. Therefore, this variant is classified as Likely pathogenic according to the recommendation of ACMG/AMP guideline.